The following is an entry in ClinVar:

NM_000540.3(RYR1):c.13221_13232del (p.Ser4409_Ala4412del)

Gene: RYR1 (ryanodine receptor 1; plus strand). Cytogenetic location: 19q13.2.
Variant type: Deletion.
Coding change: c.13221_13232del on transcript NM_000540.3 (MANE Select); coding-DNA positions 13221 to 13232, 12 bases deleted (TGCCAGCGAGGG).
Protein change: p.Ser4409_Ala4412del.
Molecular consequence: inframe deletion.
Genome position (GRCh38, 1-based): chr19:38,565,555-38,565,566, TGCCAGCGAGGG deleted; deleting any 12 consecutive bases within chr19:38,565,548-38,565,566 gives the same sequence; the c. name uses the placement nearest the transcript's 3' end. VCF-style (leftmost placement, unchanged base first): chr19-38565547-GGCGAGGGTGCCA-G. GRCh37 (hg19) VCF-style: chr19-39056187-GGCGAGGGTGCCA-G.
Other names: c.13206_13217del, p.Ser4404_Ala4407del (NM_001042723.2); c.13221_13232del12 (NM_000540.3).
Identifiers: ClinVar variation 4079938 (VCV004079938.2).

ClinVar aggregate classification (germline): Uncertain significance. Review status: criteria provided, multiple submitters, no conflicts (2 of 4 stars). 2 submissions from 2 submitters: Uncertain significance (2). Last evaluated 2025-09-24.

Submissions (2):

Women's Health and Genetics/Laboratory Corporation of America, LabCorp
Classification: Uncertain significance. Last evaluated: 2025-09-24. Review status: criteria provided, single submitter. Criteria: LabCorp Variant Classification Summary - May 2015. Collection method: clinical testing. Allele origin: germline.
Comment: Variant summary: RYR1 c.13221_13232del12 (p.Ser4409_Ala4412del) results in an in-frame deletion that is predicted to remove 4 amino acids from the encoded protein. The variant allele was found at a frequency of 1.3e-06 in 1492980 control chromosomes. The available data on variant occurrences in the general population are insufficient to allow any conclusion about variant significance. To our knowledge, no occurrence of c.13221_13232del12 in individuals affected with RYR1-related conditions and no experimental evidence demonstrating its impact on protein function have been reported. ClinVar contains an entry for this variant (Variation ID: 4079938). Based on the evidence outlined above, the variant was classified as uncertain significance.

Revvity Omics, Revvity
Classification: Uncertain significance. Last evaluated: 2024-12-19. Review status: criteria provided, single submitter. Criteria: ACMG Guidelines, 2015. Collection method: clinical testing. Allele origin: germline.